The following is an entry in ClinVar:

ClinVar aggregate classification (germline): Uncertain significance. Review status: criteria provided, multiple submitters, no conflicts (2 of 4 stars). 2 submissions from 2 submitters: Uncertain significance (2). Last evaluated 2024-03-16.

Conditions:
CHARGE syndrome (CHARGE). Also called: Hittner Hirsch Kreh syndrome; CHARGE ASSOCIATION--COLOBOMA, HEART ANOMALY, CHOANAL ATRESIA, RETARDATION, GENITAL AND EAR ANOMALIES; Coloboma, heart anomaly, choanal atresia, retardation, genital and ear anomalies; CHARGE association; Hall-Hittner syndrome. Identifiers: Orphanet 138, MedGen C0265354, MONDO:0008965.

Allele frequency attached by ClinVar (database versions not stated): gnomAD exomes below 0.00001; gnomAD 0.00001.
gnomAD v4.1: 3 of 1,613,960 alleles (0.00019%); highest among the groups gnomAD compares: East Asian, 0.0022%; no homozygotes.

Submissions (2):

Labcorp Genetics (formerly Invitae), Labcorp
Classification: Uncertain significance for CHARGE syndrome. Last evaluated: 2024-03-16. Review status: criteria provided, single submitter. Criteria: Invitae Variant Classification Sherloc (09022015). Collection method: clinical testing. Allele origin: germline.
Comment: This sequence change replaces aspartic acid, which is acidic and polar, with valine, which is neutral and non-polar, at codon 2126 of the CHD7 protein (p.Asp2126Val). This variant is not present in population databases (gnomAD no frequency). This missense change has been observed in individual(s) with clinical features of CHARGE syndrome (PMID: 28475860). ClinVar contains an entry for this variant (Variation ID: 419914). Advanced modeling of protein sequence and biophysical properties (such as structural, functional, and spatial information, amino acid conservation, physicochemical variation, residue mobility, and thermodynamic stability) performed at Invitae indicates that this missense variant is not expected to disrupt CHD7 protein function with a negative predictive value of 95%. In summary, the available evidence is currently insufficient to determine the role of this variant in disease. Therefore, it has been classified as a Variant of Uncertain Significance.

GeneDx
Classification: Uncertain significance. Last evaluated: 2015-11-25. Review status: criteria provided, single submitter. Criteria: GeneDx Variant Classification (06012015). Collection method: clinical testing. Allele origin: germline. Affected: yes.
Comment: The D2126V variant has not been published as a pathogenic variant, nor has it been reported as a benign variant to our knowledge. The variant was not observed in approximately 6,100 individuals of European and African American ancestry in the NHLBI Exome Sequencing Project, indicating it is not a common benign variant in these populations. D2126V is a non-conservative amino acid substitution, which is likely to impact secondary protein structure as these residues differ in polarity, charge, size and/or other properties. However, this substitution occurs at a position where amino acids with similar properties to Aspartic acid are tolerated across species, and in silico analysis is inconsistent in its predictions as to whether or not the variant is damaging to the protein structure/function. Some missense variants have been reported in CHARGE syndrome; however, most pathogenic variants are nonsense or frameshift variants. Therefore, based on the currently available information, it is unclear whether this variant is a pathogenic variant or a rare benign variant.

Literature cited by the submitters: PubMed 28475860 (cited by Labcorp Genetics (formerly Invitae), Labcorp).

NM_017780.4(CHD7):c.6377A>T (p.Asp2126Val)

Gene: CHD7 (chromodomain helicase DNA binding protein 7; plus strand). Cytogenetic location: 8q12.2.
Variant type: single nucleotide variant.
Coding change: c.6377A>T on transcript NM_017780.4 (MANE Select); coding-DNA position 6377, A replaced by T.
Protein change: p.Asp2126Val; replaces aspartic acid 2126 with valine.
Molecular consequence: missense variant. On other transcripts: intron variant (1).
Genome position (GRCh38, 1-based): chr8:60,853,102, A>T. VCF-style: chr8-60853102-A-T. GRCh37 (hg19) VCF-style: chr8-61765661-A-T.
Other names: c.6377A>T (LRG_176t1); c.1717-9127A>T (NM_001316690.1); short protein forms D2126V.
Identifiers: ClinVar variation 419914 (VCV000419914.5), dbSNP rs1064794182, ClinGen allele CA16618677.